The following is an entry in ClinVar:

NM_006227.4(PLTP):c.535C>T (p.Leu179Phe)

Gene: PLTP (phospholipid transfer protein; minus strand). Cytogenetic location: 20q13.12.
Variant type: single nucleotide variant.
Coding change: c.535C>T on transcript NM_006227.4 (MANE Select); coding-DNA position 535, C replaced by T.
Protein change: p.Leu179Phe; replaces leucine 179 with phenylalanine.
Molecular consequence: missense variant.
Genome position (GRCh38, 1-based): chr20:45,907,855, G>A on the plus strand (C>T on the coding strand, the complement: PLTP is on the minus strand). VCF-style: chr20-45907855-G-A. GRCh37 (hg19) VCF-style: chr20-44536494-G-A.
Other names: c.250C>T, p.Leu84Phe (NM_001242920.2); c.271C>T, p.Leu91Phe (NM_001242921.1); c.379C>T, p.Leu127Phe (NM_182676.3); c.535C>T (NM_006227.3); short protein forms L127F, L91F, L179F, L84F.
Identifiers: ClinVar variation 2730808 (VCV002730808.4), dbSNP rs940964022, ClinGen allele CA315611581.

ClinVar aggregate classification (germline): Uncertain significance. Review status: criteria provided, multiple submitters, no conflicts (2 of 4 stars). 2 submissions from 2 submitters: Uncertain significance (2). Last evaluated 2024-09-26.

Allele frequency attached by ClinVar (database versions not stated): gnomAD exomes 0.00002; gnomAD 0.00007; TOPMed 0.00010.

Submissions (2):

Ambry Genetics
Classification: Uncertain significance. Last evaluated: 2024-09-26. Review status: criteria provided, single submitter. Criteria: Ambry Variant Classification Scheme 2023. Collection method: clinical testing. Allele origin: germline.

Labcorp Genetics (formerly Invitae), Labcorp
Classification: Uncertain significance. Last evaluated: 2022-11-07. Review status: criteria provided, single submitter. Criteria: Invitae Variant Classification Sherloc (09022015). Collection method: clinical testing. Allele origin: germline.
Comment: This sequence change replaces leucine, which is neutral and non-polar, with phenylalanine, which is neutral and non-polar, at codon 179 of the PLTP protein (p.Leu179Phe). This variant has not been reported in the literature in individuals affected with PLTP-related conditions. Algorithms developed to predict the effect of missense changes on protein structure and function (SIFT, PolyPhen-2, Align-GVGD) all suggest that this variant is likely to be tolerated. The frequency data for this variant in the population databases is considered unreliable, as metrics indicate poor data quality at this position in the gnomAD database. In summary, the available evidence is currently insufficient to determine the role of this variant in disease. Therefore, it has been classified as a Variant of Uncertain Significance.